The following is an entry in ClinVar:

NM_006486.3(FBLN1):c.1190G>T (p.Cys397Phe)

Gene: FBLN1 (fibulin 1; plus strand). Cytogenetic location: 22q13.31.
Variant type: single nucleotide variant.
Coding change: c.1190G>T on transcript NM_006486.3 (MANE Select); coding-DNA position 1190, G replaced by T.
Protein change: p.Cys397Phe; replaces cysteine 397 with phenylalanine.
Molecular consequence: missense variant.
Genome position (GRCh38, 1-based): chr22:45,542,278, G>T. VCF-style: chr22-45542278-G-T. GRCh37 (hg19) VCF-style: chr22-45938158-G-T.
Other names: c.1190G>T, p.Cys397Phe (NM_001996.4, NM_006485.4, NM_006487.3); short protein forms C397F.
Identifiers: ClinVar variation 60555 (VCV000060555.3), dbSNP rs397509432, ClinGen allele CA144573.

ClinVar aggregate classification (germline): Conflicting classifications of pathogenicity. Review status: no assertion criteria provided (0 of 4 stars). 2 submissions from 2 submitters: Pathogenic (1); Uncertain significance (1). Last evaluated 2014-05-01.

Conditions:
Autosomal recessive syndrome of syndactyly, undescended testes and central nervous system defects. Identifiers: MedGen CN178542.

Submissions (2):

OMIM
Classification: Uncertain significance for VARIANT OF UNKNOWN SIGNIFICANCE. Last evaluated: 2014-05-01. Review status: no assertion criteria provided. Collection method: literature only. Allele origin: germline.

Department of Neuroscience, King Faisal Specialist Hospital
Classification: Pathogenic for Autosomal recessive syndrome of syndactyly, undescended testes and central nervous system defects. Last evaluated: 2012-07-20. Review status: no assertion criteria provided. Collection method: research. Allele origin: inherited. Inheritance: Autosomal recessive inheritance. Affected: yes.
ClinVar note: Converted during submission from pathogenic to Pathogenic.

Literature cited by the submitters: PubMed 24084572 (cited by OMIM).